The following is an entry in ClinVar:

NM_152783.5(D2HGDH):c.292+9G>A

Genes: D2HGDH (D-2-hydroxyglutarate dehydrogenase; plus strand), LOC129936033 (ATAC-STARR-seq lymphoblastoid active region 17430; plus strand). Cytogenetic location: 2q37.3.
Variant type: single nucleotide variant.
Coding change: c.292+9G>A on transcript NM_152783.5 (MANE Select); 9 bases into the intron after coding-DNA position 292, G replaced by A.
Molecular consequence: intron variant.
Genome position (GRCh38, 1-based): chr2:241,735,525, G>A. VCF-style: chr2-241735525-G-A. GRCh37 (hg19) VCF-style: chr2-242674940-G-A.
Other names: c.-253+9G>A (NM_001352824.2); c.-111+830G>A (NM_001287249.2).
Identifiers: ClinVar variation 158416 (VCV000158416.24), dbSNP rs148813816, ClinGen allele CA171834.

ClinVar aggregate classification (germline): Benign/Likely benign. Review status: criteria provided, multiple submitters, no conflicts (2 of 4 stars). 5 submissions from 5 submitters: Benign (3); Likely benign (1). 1 of the submissions does not count toward it. Last evaluated 2026-02-01.

Conditions:
D-2-hydroxyglutaric aciduria 1 (D2HGA1). Identifiers: Orphanet 79315, MedGen C3152055, MONDO:0024554, OMIM 600721.

Allele frequency attached by ClinVar (database versions not stated): gnomAD exomes 0.00227 and 0.00549; ExAC 0.00634; ESP Exome Variant Server 0.02296; gnomAD 0.02316 and 0.02496; 1000 Genomes Project 30x 0.02951; TOPMed 0.02584; 1000 Genomes Project 0.02676.

Submissions (5):

Labcorp Genetics (formerly Invitae), Labcorp
Classification: Benign for D-2-hydroxyglutaric aciduria 1. Last evaluated: 2026-02-01. Review status: criteria provided, single submitter. Criteria: Invitae Variant Classification Sherloc (09022015). Collection method: clinical testing. Allele origin: germline.

GeneDx
Classification: Benign. Last evaluated: 2021-05-11. Review status: criteria provided, single submitter. Criteria: GeneDx Variant Classification Process June 2021. Collection method: clinical testing. Allele origin: germline. Affected: yes.

Illumina Laboratory Services, Illumina
Classification: Benign for D-2-hydroxyglutaric aciduria 1. Last evaluated: 2018-01-13. Review status: criteria provided, single submitter. Criteria: ICSL Variant Classification Criteria 13 December 2019. Collection method: clinical testing. Allele origin: germline.
Comment: This variant was observed in the ICSL laboratory as part of a predisposition screen in an ostensibly healthy population. It had not been previously curated by ICSL or reported in the Human Gene Mutation Database (HGMD: prior to June 1st, 2018), and was therefore a candidate for classification through an automated scoring system. Utilizing variant allele frequency, disease prevalence and penetrance estimates, and inheritance mode, an automated score was calculated to assess if this variant is too frequent to cause the disease. Based on the score and internal cut-off values, a variant classified as benign is not then subjected to further curation. The score for this variant resulted in a classification of benign for this disease.

Genetic Services Laboratory, University of Chicago
Classification: Likely benign. Last evaluated: 2013-10-31. Review status: criteria provided, single submitter. Criteria: ACMG Guidelines, 2007. Collection method: clinical testing. Allele origin: germline. Inheritance: Autosomal recessive inheritance.
Comment: Likely benign based on allele frequency in 1000 Genomes Project or ESP global frequency and its presence in a patient with a rare or unrelated disease phenotype. NOT Sanger confirmed

Mayo Clinic Laboratories, Mayo Clinic
Classification: Benign. Last evaluated: 2016-03-16. Review status: no assertion criteria provided. Collection method: clinical testing. Allele origin: unknown. Not counted in ClinVar's aggregate classification.